The following is an entry in ClinVar:

NM_003803.4(MYOM1):c.566A>T (p.Gln189Leu)

Gene: MYOM1 (myomesin 1; minus strand). Cytogenetic location: 18p11.31.
Variant type: single nucleotide variant.
Coding change: c.566A>T on transcript NM_003803.4 (MANE Select); coding-DNA position 566, A replaced by T.
Protein change: p.Gln189Leu; replaces glutamine 189 with leucine.
Molecular consequence: missense variant.
Genome position (GRCh38, 1-based): chr18:3,188,953, T>A on the plus strand (A>T on the coding strand, the complement: MYOM1 is on the minus strand). VCF-style: chr18-3188953-T-A. GRCh37 (hg19) VCF-style: chr18-3188951-T-A.
Other names: c.566A>T, p.Gln189Leu (NM_019856.2); short protein forms Q189L.
Identifiers: ClinVar variation 1046531 (VCV001046531.9), dbSNP rs373424159, ClinGen allele CA8875215.

ClinVar aggregate classification (germline): Uncertain significance. Review status: criteria provided, multiple submitters, no conflicts (2 of 4 stars). 2 submissions from 2 submitters: Uncertain significance (2). Last evaluated 2026-01-05.

Conditions:
Hypertrophic cardiomyopathy. Also called: HYPERTROPHIC MYOCARDIOPATHY. Identifiers: Orphanet 217569, MedGen C0007194, MeSH D002312, MONDO:0005045, HP:0001639.

Allele frequency attached by ClinVar (database versions not stated): ExAC 0.00003; gnomAD 0.00011 and 0.00015; TOPMed 0.00012; ESP Exome Variant Server 0.00016; 1000 Genomes Project 30x 0.00031; 1000 Genomes Project 0.00040.

Submissions (2):

Labcorp Genetics (formerly Invitae), Labcorp
Classification: Uncertain significance for Hypertrophic cardiomyopathy. Last evaluated: 2026-01-05. Review status: criteria provided, single submitter. Criteria: Invitae Variant Classification Sherloc (09022015). Collection method: clinical testing. Allele origin: germline.
Comment: This sequence change replaces glutamine, which is neutral and polar, with leucine, which is neutral and non-polar, at codon 189 of the MYOM1 protein (p.Gln189Leu). This variant is present in population databases (rs373424159, gnomAD 0.03%). This variant has not been reported in the literature in individuals affected with MYOM1-related conditions. ClinVar contains an entry for this variant (Variation ID: 1046531). An algorithm developed to predict the effect of missense changes on protein structure and function (PolyPhen-2) suggests that this variant is likely to be tolerated. In summary, the available evidence is currently insufficient to determine the role of this variant in disease. Therefore, it has been classified as a Variant of Uncertain Significance.

Ambry Genetics
Classification: Uncertain significance. Last evaluated: 2024-02-14. Review status: criteria provided, single submitter. Criteria: Ambry Variant Classification Scheme 2023. Collection method: clinical testing. Allele origin: germline.